The following is an entry in ClinVar:

ClinVar aggregate classification (germline): Uncertain significance. Review status: criteria provided, multiple submitters, no conflicts (2 of 4 stars). 2 submissions from 2 submitters: Uncertain significance (2). Last evaluated 2025-02-28.

Conditions:
Inborn genetic diseases. Identifiers: MedGen C0950123, MeSH D030342.

Allele frequency attached by ClinVar (database versions not stated): gnomAD 0.00001; gnomAD exomes 0.00001; TOPMed 0.00001; ESP Exome Variant Server 0.00008.
gnomAD v4.1: 14 of 1,613,356 alleles (0.00087%); highest among the groups gnomAD compares: Non-Finnish European, 0.0011%; no homozygotes.

Submissions (2):

Ambry Genetics
Classification: Uncertain significance for Inborn genetic diseases. Last evaluated: 2025-02-28. Review status: criteria provided, single submitter. Criteria: Ambry Variant Classification Scheme 2023. Collection method: clinical testing. Allele origin: germline.

Labcorp Genetics (formerly Invitae), Labcorp
Classification: Uncertain significance. Last evaluated: 2023-11-19. Review status: criteria provided, single submitter. Criteria: Invitae Variant Classification Sherloc (09022015). Collection method: clinical testing. Allele origin: germline.
Comment: This sequence change replaces methionine, which is neutral and non-polar, with isoleucine, which is neutral and non-polar, at codon 569 of the LONP1 protein (p.Met569Ile). This variant is not present in population databases (gnomAD no frequency). This variant has not been reported in the literature in individuals affected with LONP1-related conditions. ClinVar contains an entry for this variant (Variation ID: 1916544). Advanced modeling of protein sequence and biophysical properties (such as structural, functional, and spatial information, amino acid conservation, physicochemical variation, residue mobility, and thermodynamic stability) performed at Invitae indicates that this missense variant is not expected to disrupt LONP1 protein function with a negative predictive value of 80%. In summary, the available evidence is currently insufficient to determine the role of this variant in disease. Therefore, it has been classified as a Variant of Uncertain Significance.

NM_004793.4(LONP1):c.1707G>A (p.Met569Ile)

Gene: LONP1 (lon peptidase 1, mitochondrial; minus strand). Cytogenetic location: 19p13.3.
Variant type: single nucleotide variant.
Coding change: c.1707G>A on transcript NM_004793.4 (MANE Select); coding-DNA position 1707, G replaced by A.
Protein change: p.Met569Ile; replaces methionine 569 with isoleucine.
Molecular consequence: missense variant. On other transcripts: non-coding transcript variant (1).
Genome position (GRCh38, 1-based): chr19:5,696,736, C>T on the plus strand (G>A on the coding strand, the complement: LONP1 is on the minus strand). VCF-style: chr19-5696736-C-T. GRCh37 (hg19) VCF-style: chr19-5696747-C-T.
Other names: c.1707G>A (NM_004793.2); c.1515G>A, p.Met505Ile (NM_001276479.2); c.1119G>A, p.Met373Ile (NM_001276480.1); short protein forms M373I, M505I, M569I.
Identifiers: ClinVar variation 1916544 (VCV001916544.6), dbSNP rs138807867, ClinGen allele CA304611470.